The following is an entry in ClinVar:

ClinVar aggregate classification (germline): Uncertain significance. Review status: criteria provided, multiple submitters, no conflicts (2 of 4 stars). 2 submissions from 2 submitters: Uncertain significance (2). Last evaluated 2024-06-30.

Conditions:
Inborn genetic diseases. Identifiers: MedGen C0950123, MeSH D030342.

Allele frequency attached by ClinVar (database versions not stated): gnomAD exomes below 0.00001.
gnomAD v4.1: 1 of 1,614,196 alleles (0.000062%); highest among the groups gnomAD compares: Non-Finnish European, 0.000085%; no homozygotes.

Submissions (2):

Ambry Genetics
Classification: Uncertain significance for Inborn genetic diseases. Last evaluated: 2024-06-30. Review status: criteria provided, single submitter. Criteria: Ambry Variant Classification Scheme 2023. Collection method: clinical testing. Allele origin: germline.
Comment: The p.P44L variant (also known as c.131C>T), located in coding exon 2 of the EPAS1 gene, results from a C to T substitution at nucleotide position 131. The proline at codon 44 is replaced by leucine, an amino acid with similar properties. This amino acid position is conserved. In addition, the in silico prediction for this alteration is inconclusive. Since supporting evidence is limited at this time, the clinical significance of this alteration remains unclear.

Labcorp Genetics (formerly Invitae), Labcorp
Classification: Uncertain significance. Last evaluated: 2024-01-06. Review status: criteria provided, single submitter. Criteria: Invitae Variant Classification Sherloc (09022015). Collection method: clinical testing. Allele origin: germline.
Comment: This sequence change replaces proline, which is neutral and non-polar, with leucine, which is neutral and non-polar, at codon 44 of the EPAS1 protein (p.Pro44Leu). This variant is not present in population databases (gnomAD no frequency). This variant has not been reported in the literature in individuals affected with EPAS1-related conditions. ClinVar contains an entry for this variant (Variation ID: 1769865). An algorithm developed to predict the effect of missense changes on protein structure and function (PolyPhen-2) suggests that this variant is likely to be disruptive. In summary, the available evidence is currently insufficient to determine the role of this variant in disease. Therefore, it has been classified as a Variant of Uncertain Significance.

NM_001430.5(EPAS1):c.131C>T (p.Pro44Leu)

Gene: EPAS1 (endothelial PAS domain protein 1; plus strand). Cytogenetic location: 2p21.
Variant type: single nucleotide variant.
Coding change: c.131C>T on transcript NM_001430.5 (MANE Select); coding-DNA position 131, C replaced by T.
Protein change: p.Pro44Leu; replaces proline 44 with leucine.
Molecular consequence: missense variant.
Genome position (GRCh38, 1-based): chr2:46,346,977, C>T. VCF-style: chr2-46346977-C-T. GRCh37 (hg19) VCF-style: chr2-46574116-C-T.
Other names: short protein forms P44L.
Identifiers: ClinVar variation 1769865 (VCV001769865.6), dbSNP rs2546439942, ClinGen allele CA346697094.
Genomic context (GRCh38, chr2:46,346,977, plus strand): 5'-GGTGCCGGCGGAGCAAGGAGACGGAGGTGTTCTATGAGCTGGCCCATGAGCTGCCTCTGC[C>T]CCACAGTGTGAGCTCCCATCTGGACAAGGCCTCCATCATGCGACTGGCAATCAGCTTCCT-3'
Protein context (NP_001421.2, residues 34-54): FYELAHELPL[Pro44Leu]HSVSSHLDKA